The following is an entry in ClinVar:

ClinVar aggregate classification (germline): Uncertain significance (1 of 4 stars; one submission).

Conditions:
Atypical glycine encephalopathy. Also called: Glycine encephalopathy with normal serum glycine. Identifiers: Orphanet 289863, MedGen C4310943, MONDO:0015010, OMIM 617301.

Submission:

Labcorp Genetics (formerly Invitae), Labcorp
Classification: Uncertain significance for Atypical glycine encephalopathy. Last evaluated: 2024-07-26. Review status: criteria provided, single submitter. Criteria: Invitae Variant Classification Sherloc (09022015). Collection method: clinical testing. Allele origin: germline.
Comment: This sequence change replaces asparagine, which is neutral and polar, with lysine, which is basic and polar, at codon 386 of the SLC6A9 protein (p.Asn386Lys). This variant is not present in population databases (gnomAD no frequency). This variant has not been reported in the literature in individuals affected with SLC6A9-related conditions. An algorithm developed to predict the effect of missense changes on protein structure and function (PolyPhen-2) suggests that this variant is likely to be disruptive. In summary, the available evidence is currently insufficient to determine the role of this variant in disease. Therefore, it has been classified as a Variant of Uncertain Significance.

NM_001024845.3(SLC6A9):c.939C>A (p.Asn313Lys)

Gene: SLC6A9 (solute carrier family 6 member 9; minus strand). Cytogenetic location: 1p34.1.
Variant type: single nucleotide variant.
Coding change: c.939C>A on transcript NM_001024845.3 (MANE Select); coding-DNA position 939, C replaced by A.
Protein change: p.Asn313Lys; replaces asparagine 313 with lysine.
Molecular consequence: missense variant. On other transcripts: non-coding transcript variant (1).
Genome position (GRCh38, 1-based): chr1:44,002,336, G>T on the plus strand (C>A on the coding strand, the complement: SLC6A9 is on the minus strand). VCF-style: chr1-44002336-G-T. GRCh37 (hg19) VCF-style: chr1-44468008-G-T.
Other names: c.951C>A, p.Asn317Lys (NM_001261380.2); c.606C>A, p.Asn202Lys (NM_001328626.2, NM_001328630.2); c.876C>A, p.Asn292Lys (NM_001328627.1); c.744C>A, p.Asn248Lys (NM_001328628.1); c.939C>A, p.Asn313Lys (NM_001328629.1); c.996C>A, p.Asn332Lys (NM_006934.4); c.1158C>A, p.Asn386Lys (NM_201649.4); short protein forms N332K, N248K, N317K, N386K, N202K, N292K, N313K.
Identifiers: ClinVar variation 3659468 (VCV003659468.2).